The following is an entry in ClinVar:

ClinVar aggregate classification (germline): Benign/Likely benign. Review status: criteria provided, multiple submitters, no conflicts (2 of 4 stars). 16 submissions from 16 submitters: Benign (1); Likely benign (14). 1 of the submissions does not count toward it. Last evaluated 2025-12-02.

Conditions:
Mismatch repair cancer syndrome 3. Identifiers: MedGen C5436807, MONDO:0030841, OMIM 619097.
Hereditary nonpolyposis colorectal neoplasms. Identifiers: MedGen C0009405, MeSH D003123.
Hereditary cancer-predisposing syndrome. Also called: Tumor predisposition; Neoplastic Syndromes, Hereditary; Hereditary Cancer Syndrome; Hereditary neoplastic syndrome. Identifiers: Orphanet 140162, MedGen C0027672, MeSH D009386, MONDO:0015356.
Lynch syndrome. Identifiers: Orphanet 144, MedGen C4552100, MONDO:0005835. Disease mechanism: loss of function.
Lynch syndrome 5 (LYNCH5). Also called: Hereditary non-polyposis colorectal cancer, type 5; Colorectal cancer, hereditary nonpolyposis, type 5. Identifiers: Orphanet 144, MedGen C1833477, MONDO:0013710, OMIM 614350. Disease mechanism: loss of function.

Allele frequency attached by ClinVar (database versions not stated): gnomAD 0.00001; ExAC 0.00002; gnomAD exomes 0.00003; TOPMed 0.00003.
gnomAD v4.1: 14 of 1,614,006 alleles (0.00087%); highest among the groups gnomAD compares: Admixed American, 0.01%; no homozygotes.

Submissions (16):

Labcorp Genetics (formerly Invitae), Labcorp
Classification: Likely benign for Hereditary nonpolyposis colorectal neoplasms. Last evaluated: 2025-12-02. Review status: criteria provided, single submitter. Criteria: Invitae Variant Classification Sherloc (09022015). Collection method: clinical testing. Allele origin: germline.

Quest Diagnostics Nichols Institute San Juan Capistrano
Classification: Likely benign. Last evaluated: 2025-10-31. Review status: criteria provided, single submitter. Criteria: Quest Diagnostics criteria. Collection method: clinical testing. Allele origin: unknown.

Mayo Clinic Laboratories, Mayo Clinic
Classification: Likely benign. Last evaluated: 2025-03-18. Review status: criteria provided, single submitter. Criteria: ACMG Guidelines, 2015. Collection method: clinical testing. Allele origin: germline. Observed: 1 variant allele.
Comment: BP4, BP7

Center for Genomic Medicine, Rigshospitalet, Copenhagen University Hospital
Classification: Likely benign. Last evaluated: 2025-03-04. Review status: criteria provided, single submitter. Criteria: ACMG Guidelines, 2015. Collection method: clinical testing. Allele origin: germline.

Molecular Diagnostics Laboratory, Catalan Institute of Oncology
Classification: Likely benign for Hereditary cancer-predisposing syndrome. Last evaluated: 2025-02-18. Review status: criteria provided, single submitter. Criteria: MMR VCEP Paper Draft V3.1. Collection method: clinical testing. Allele origin: germline.
Comment: BP4, BP7 c.2154C>T, located in exon 4 of the MSH6 gene, is predicted to result in no amino acid change, p.(Ser718=) (BP7). This variant is found in 8/267799 alleles at a frequency of 0.003% in the gnomAD v2.1.1 database, non-cancer dataset. The SpliceAI algorithm predicts no significant impact on splicing (BP4). This variant has been reported in the ClinVar database (10x likely benign, 2x benign), and has not been reported in the LOVD nor classified by InSiGHT. Based on currently available information, the variant c.2154C>T should be considered a likely benign variant according to MMR-specific InSIGHT Guidelines, Draft v3.1.

All of Us Research Program, National Institutes of Health
Classification: Likely benign for Lynch syndrome. Last evaluated: 2024-08-30. Review status: criteria provided, single submitter. Criteria: ACMG Guidelines, 2015. Collection method: clinical testing. Allele origin: germline. Inheritance: Autosomal dominant inheritance. Observed: 17 variant alleles, 17 heterozygotes.
Comment: This study involves interpretation of variants in research participants for the purpose of population health screening. Participant phenotype was not available at the time of variant classification. Additional details can be found in publication PMID: 35346344, PMCID: PMC8962531

CeGaT Center for Human Genetics Tuebingen
Classification: Likely benign. Last evaluated: 2024-01-01. Review status: criteria provided, single submitter. Criteria: CeGaT Center For Human Genetics Tuebingen Variant Classification Criteria Version 2. Collection method: clinical testing. Allele origin: germline. Affected: yes. Observed: 1 variant allele.
Comment: MSH6: BP4, BP7

Myriad Genetics, Inc.
Classification: Benign for Lynch syndrome 5. Last evaluated: 2023-03-28. Review status: criteria provided, single submitter. Criteria: Myriad Autosomal Dominant, Autosomal Recessive and X-Linked Classification Criteria (2023). Collection method: clinical testing. Allele origin: unknown.
Comment: This variant is considered benign. This variant is a silent/synonymous amino acid change and it is not expected to impact splicing.

Sema4
Classification: Likely benign for Hereditary cancer-predisposing syndrome. Last evaluated: 2021-06-19. Review status: criteria provided, single submitter. Criteria: Sema4 Curation Guidelines. Collection method: curation. Allele origin: germline.

Department of Pathology and Laboratory Medicine, Sinai Health System
Classification: Likely benign for Mismatch repair cancer syndrome 3. Last evaluated: 2021-01-14. Review status: criteria provided, single submitter. Criteria: ACMG Guidelines, 2015. Collection method: clinical testing. Allele origin: germline. Affected: yes.

Women's Health and Genetics/Laboratory Corporation of America, LabCorp
Classification: Likely benign. Last evaluated: 2017-03-03. Review status: criteria provided, single submitter. Criteria: LabCorp Variant Classification Summary - May 2015. Collection method: clinical testing. Allele origin: germline.
Comment: Variant summary: The MSH6 c.2154C>T (p.Ser718Ser) variant involves the alteration of a non-conserved nucleotide, resulting in a synonymous change. One in silico tool predicts a damaging outcome for this variant. 5/5 splice prediction tools predict no significant impact on normal splicing. This variant was found in 2/121154 control chromosomes at a frequency of 0.0000165, which does not exceed the estimated maximal expected allele frequency of a pathogenic MSH6 variant (0.0001421). In addition, multiple clinical diagnostic laboratories classified this variant as likely benign. The variant of interest has not, to our knowledge, been reported in affected individuals via publications and/or reputable databases; nor evaluated for functional impact by in vivo/vitro studies. Taken together, this variant is classified as likely benign.

PreventionGenetics, part of Exact Sciences
Classification: Likely benign. Last evaluated: 2016-12-06. Review status: criteria provided, single submitter. Criteria: ACMG Guidelines, 2015. Collection method: clinical testing. Allele origin: germline.

GeneDx
Classification: Likely benign. Last evaluated: 2015-12-31. Review status: criteria provided, single submitter. Criteria: GeneDx Variant Classification (06012015). Collection method: clinical testing. Allele origin: germline. Affected: yes.
Comment: This variant is considered likely benign or benign based on one or more of the following criteria: it is a conservative change, it occurs at a poorly conserved position in the protein, it is predicted to be benign by multiple in silico algorithms, and/or has population frequency not consistent with disease.

Ambry Genetics
Classification: Likely benign for Hereditary cancer-predisposing syndrome. Last evaluated: 2015-11-27. Review status: criteria provided, single submitter. Criteria: Ambry Variant Classification Scheme 2023. Collection method: clinical testing. Allele origin: germline.

Color Diagnostics, LLC DBA Color Health
Classification: Likely benign for Hereditary cancer-predisposing syndrome. Last evaluated: 2015-07-22. Review status: criteria provided, single submitter. Criteria: ACMG Guidelines, 2015. Collection method: clinical testing. Allele origin: germline.

Counsyl
Classification: Likely benign for Lynch syndrome 5. Last evaluated: 2016-10-18. Review status: no assertion criteria provided. Collection method: clinical testing. Allele origin: unknown. Not counted in ClinVar's aggregate classification.

Literature cited by the submitters: PubMed 17117178 (cited by 4 submitters).

NM_000179.3(MSH6):c.2154C>T (p.Ser718=)

Gene: MSH6 (mutS homolog 6; plus strand). Cytogenetic location: 2p16.3.
Variant type: single nucleotide variant.
Coding change: c.2154C>T on transcript NM_000179.3 (MANE Select); coding-DNA position 2154, C replaced by T.
Protein change: p.Ser718=; no amino-acid change (serine 718 retained).
Molecular consequence: synonymous variant.
Genome position (GRCh38, 1-based): chr2:47,800,137, C>T. VCF-style: chr2-47800137-C-T. GRCh37 (hg19) VCF-style: chr2-48027276-C-T.
Other names: p.Ser718=; c.1764C>T, p.Ser588= (NM_001281492.2); c.1248C>T, p.Ser416= (NM_001281493.2, NM_001281494.2).
Identifiers: ClinVar variation 183913 (VCV000183913.53), dbSNP rs771662801, ClinGen allele CA009776.